The following is an entry in ClinVar:

ClinVar aggregate classification (germline): Uncertain significance (1 of 4 stars; one submission).

Conditions:
Hereditary cancer-predisposing syndrome. Also called: Neoplastic Syndromes, Hereditary; Tumor predisposition; Hereditary Cancer Syndrome; Hereditary neoplastic syndrome. Identifiers: Orphanet 140162, MedGen C0027672, MeSH D009386, MONDO:0015356.

Submission:

Ambry Genetics
Classification: Uncertain significance for Hereditary cancer-predisposing syndrome. Last evaluated: 2026-05-14. Review status: criteria provided, single submitter. Criteria: Ambry Variant Classification Scheme 2023. Collection method: clinical testing. Allele origin: germline.
Comment: The p.S559T variant (also known as c.1675T>A), located in coding exon 9 of the RET gene, results from a T to A substitution at nucleotide position 1675. The serine at codon 559 is replaced by threonine, an amino acid with similar properties. This amino acid position is conserved. In addition, the in silico prediction for this alteration is inconclusive. Based on the available evidence, the clinical significance of this variant remains unclear.

NM_020975.6(RET):c.1675T>A (p.Ser559Thr)

Gene: RET (ret proto-oncogene; plus strand). Cytogenetic location: 10q11.21.
Variant type: single nucleotide variant.
Coding change: c.1675T>A on transcript NM_020975.6 (MANE Select); coding-DNA position 1675, T replaced by A.
Protein change: p.Ser559Thr; replaces serine 559 with threonine.
Molecular consequence: missense variant.
Genome position (GRCh38, 1-based): chr10:43,112,879, T>A. VCF-style: chr10-43112879-T-A. GRCh37 (hg19) VCF-style: chr10-43608327-T-A.
Other names: c.1675T>A, p.Ser559Thr (NM_001406743.1, NM_001406744.1, NM_001406759.1 and 4 more transcripts); c.1546T>A, p.Ser516Thr (NM_001406761.1, NM_001406762.1, NM_001406764.1 and 1 more transcripts); c.949T>A, p.Ser317Thr (NM_001406776.1, NM_001406777.1, NM_001406778.1 and 1 more transcripts); c.778T>A, p.Ser260Thr (NM_001406779.1, NM_001406780.1, NM_001406781.1 and 3 more transcripts); c.649T>A, p.Ser217Thr (NM_001406783.1, NM_001406786.1); c.685T>A, p.Ser229Thr (NM_001406784.1); c.913T>A, p.Ser305Thr (NM_001355216.2); c.1387T>A, p.Ser463Thr (NM_001406766.1, NM_001406767.1, NM_001406770.1); and 5 more; short protein forms S164T, S217T, S229T, S260T, S305T, S317T, S384T, S413T.
Identifiers: ClinVar variation 4863275 (VCV004863275.1).